The following is an entry in ClinVar:

ClinVar aggregate classification (germline): Uncertain significance (1 of 4 stars; one submission).

Submission:

Labcorp Genetics (formerly Invitae), Labcorp
Classification: Uncertain significance. Last evaluated: 2022-07-09. Review status: criteria provided, single submitter. Criteria: Invitae Variant Classification Sherloc (09022015). Collection method: clinical testing. Allele origin: germline.
Comment: This variant has not been reported in the literature in individuals affected with IRF4-related conditions. Algorithms developed to predict the effect of variants on protein structure and function are not available or were not evaluated for this variant. Experimental studies have shown that this variant affects IRF4 function (PMID: 29537367). In summary, the available evidence is currently insufficient to determine the role of this variant in disease. Therefore, it has been classified as a Variant of Uncertain Significance. This variant, c.136_138del, results in the deletion of 1 amino acid(s) of the IRF4 protein (p.Glu46del), but otherwise preserves the integrity of the reading frame. This variant is present in population databases (rs753781892, gnomAD 0.002%).

Literature cited by the submitters: PubMed 29537367.

NM_002460.4(IRF4):c.133GAG[1] (p.Glu46del)

Gene: IRF4 (interferon regulatory factor 4; plus strand). Cytogenetic location: 6p25.3.
Variant type: Microsatellite.
Coding change: c.133GAG[1] on transcript NM_002460.4 (MANE Select); one copy of the 3-base unit GAG starting at c.133; the reference has two copies in a row; one copy, 3 bases deleted.
Protein change: p.Glu46del; deletes glutamic acid 46.
Molecular consequence: inframe deletion. On other transcripts: non-coding transcript variant (1).
Genome position (GRCh38, 1-based): chr6:393,288-393,290, GAG deleted; deleting any 3 consecutive bases within chr6:393,285-393,290 gives the same sequence; the position shown is the placement nearest the transcript's 3' end. VCF-style (leftmost placement, unchanged base first): chr6-393284-CGAG-C. GRCh37 (hg19) VCF-style: chr6-393284-CGAG-C.
Other names: c.133GAG[1], p.Glu46del (NM_001195286.2); short protein forms E46del.
Identifiers: ClinVar variation 1954294 (VCV001954294.5), dbSNP rs753781892, ClinGen allele CA3612617.